The following is an entry in ClinVar:

ClinVar aggregate classification (germline): Uncertain significance (1 of 4 stars; one submission).

Conditions:
Androgen resistance syndrome (AIS). Also called: Androgen insensitivity syndrome due to coactivator deficiency; Androgen insensitivity; DHTR DEFICIENCY; ANDROGEN RECEPTOR DEFICIENCY; DIHYDROTESTOSTERONE RECEPTOR DEFICIENCY; TESTICULAR FEMINIZATION SYNDROME. Identifiers: Orphanet 754, Orphanet 99429, MedGen C0039585, MONDO:0019154, OMIM 300068. Disease mechanism: loss of function.

Submission:

3billion
Classification: Uncertain significance for Androgen resistance syndrome. Last evaluated: 2024-10-15. Review status: criteria provided, single submitter. Criteria: ACMG Guidelines, 2015. Collection method: clinical testing. Allele origin: germline. Affected: yes.
Comment: The variant is not observed in the gnomAD v4.1.0 dataset. Predicted Consequence/Location: Intron variant In silico tools predict the variant to alter splicing and produce an abnormal transcript [SpliceAI: 0.95 (>=0.2, moderate evidence for spliceogenicity)]. Therefore, this variant is classified as VUS according to the recommendation of ACMG/AMP guideline.

NM_000044.6(AR):c.2450-22T>G

Gene: AR (androgen receptor; plus strand). Cytogenetic location: Xq12.
Variant type: single nucleotide variant.
Coding change: c.2450-22T>G on transcript NM_000044.6 (MANE Select); 22 bases into the intron before coding-DNA position 2450, T replaced by G.
Molecular consequence: intron variant.
Genome position (GRCh38, 1-based): chrX:67,722,805, T>G. VCF-style: chrX-67722805-T-G. GRCh37 (hg19) VCF-style: chrX-66942647-T-G.
Other names: c.854-22T>G (NM_001011645.3).
Identifiers: ClinVar variation 4293740 (VCV004293740.1).